The following is an entry in ClinVar:

NM_000169.3(GLA):c.547+190C>T

Genes: GLA (galactosidase alpha; minus strand), RPL36A-HNRNPH2 (RPL36A-HNRNPH2 readthrough; plus strand). Cytogenetic location: Xq22.1.
Variant type: single nucleotide variant.
Coding change: c.547+190C>T on transcript NM_000169.3 (MANE Select); 190 bases into the intron after coding-DNA position 547, C replaced by T.
Molecular consequence: intron variant. On other transcripts: 3 prime UTR variant (1).
Genome position (GRCh38, 1-based): chrX:101,401,442, G>A on the plus strand (C>T on the coding strand, the complement: GLA is on the minus strand). VCF-style: chrX-101401442-G-A. GRCh37 (hg19) VCF-style: chrX-100656430-G-A.
Other names: c.*101C>T (NM_001406749.1); c.300+5985G>A (NM_001199973.2); c.177+9620G>A (NM_001199974.2); c.670+190C>T (NM_001406747.1); c.547+190C>T (NM_001406748.1).
Identifiers: ClinVar variation 673554 (VCV000673554.2), dbSNP rs41311559, ClinGen allele CA333093859.

ClinVar aggregate classification (germline): Benign. Review status: criteria provided, multiple submitters, no conflicts (2 of 4 stars). 2 submissions from 2 submitters: Benign (2). Last evaluated 2018-06-19.

Allele frequency attached by ClinVar (database versions not stated): 1000 Genomes Project 30x 0.01582; 1000 Genomes Project 0.01589; TOPMed 0.02818; gnomAD 0.03138 and 0.03222; gnomAD exomes 0.04124.
gnomAD v4.1: 19,188 of 491,741 alleles (3.9%); highest among the groups gnomAD compares: Non-Finnish European, 5%; 350 homozygotes.

Submissions (2):

GeneDx
Classification: Benign. Last evaluated: 2018-06-19. Review status: criteria provided, single submitter. Criteria: GeneDx Variant Classification (06012015). Collection method: clinical testing. Allele origin: germline. Affected: yes.
Comment: This variant is considered likely benign or benign based on one or more of the following criteria: it is a conservative change, it occurs at a poorly conserved position in the protein, it is predicted to be benign by multiple in silico algorithms, and/or has population frequency not consistent with disease.

Breakthrough Genomics
Classification: Benign. Review status: criteria provided, single submitter. Criteria: ACMG Guidelines, 2015. Collection method: not provided. Allele origin: germline. Inheritance: X-linked inheritance. Affected: yes.